The following is an entry in ClinVar:

NM_001129.5(AEBP1):c.2590C>A (p.Leu864Met)

Gene: AEBP1 (AE binding protein 1; plus strand). Cytogenetic location: 7p13.
Variant type: single nucleotide variant.
Coding change: c.2590C>A on transcript NM_001129.5 (MANE Select); coding-DNA position 2590, C replaced by A.
Protein change: p.Leu864Met; replaces leucine 864 with methionine.
Molecular consequence: missense variant.
Genome position (GRCh38, 1-based): chr7:44,113,011, C>A. VCF-style: chr7-44113011-C-A. GRCh37 (hg19) VCF-style: chr7-44152610-C-A.
Other names: c.2590C>A (NM_001129.4); short protein forms L864M.
Identifiers: ClinVar variation 1508451 (VCV001508451.4), dbSNP rs200012664, ClinGen allele CA4238259.

ClinVar aggregate classification (germline): Uncertain significance. Review status: criteria provided, multiple submitters, no conflicts (2 of 4 stars). 2 submissions from 2 submitters: Uncertain significance (2). Last evaluated 2024-07-31.

Allele frequency attached by ClinVar (database versions not stated): TOPMed 0.00003; gnomAD 0.00004 and 0.00005; ExAC 0.00005; gnomAD exomes 0.00006; ESP Exome Variant Server 0.00008; 1000 Genomes Project 30x 0.00016; 1000 Genomes Project 0.00020.
gnomAD v4.1: 44 of 1,614,110 alleles (0.0027%); highest among the groups gnomAD compares: African/African-American, 0.0067%; no homozygotes.

Submissions (2):

GeneDx
Classification: Uncertain significance. Last evaluated: 2024-07-31. Review status: criteria provided, single submitter. Criteria: GeneDx Variant Classification Process June 2021. Collection method: clinical testing. Allele origin: germline. Affected: yes.
Comment: Has not been previously published as pathogenic or benign to our knowledge; In silico analysis indicates that this missense variant does not alter protein structure/function

Labcorp Genetics (formerly Invitae), Labcorp
Classification: Uncertain significance. Last evaluated: 2022-08-04. Review status: criteria provided, single submitter. Criteria: Invitae Variant Classification Sherloc (09022015). Collection method: clinical testing. Allele origin: germline.
Comment: This sequence change replaces leucine, which is neutral and non-polar, with methionine, which is neutral and non-polar, at codon 864 of the AEBP1 protein (p.Leu864Met). This variant is present in population databases (rs200012664, gnomAD 0.09%). This variant has not been reported in the literature in individuals affected with AEBP1-related conditions. ClinVar contains an entry for this variant (Variation ID: 1508451). Algorithms developed to predict the effect of missense changes on protein structure and function are either unavailable or do not agree on the potential impact of this missense change (SIFT: "Deleterious"; PolyPhen-2: "Probably Damaging"; Align-GVGD: "Class C0"). In summary, the available evidence is currently insufficient to determine the role of this variant in disease. Therefore, it has been classified as a Variant of Uncertain Significance.